The following is an entry in ClinVar:

ClinVar aggregate classification (germline): Uncertain significance (1 of 4 stars; one submission).

Submission:

CeGaT Center for Human Genetics Tuebingen
Classification: Uncertain significance. Last evaluated: 2025-02-01. Review status: criteria provided, single submitter. Criteria: CeGaT Center For Human Genetics Tuebingen Variant Classification Criteria Version 2. Collection method: clinical testing. Allele origin: germline. Affected: yes. Observed: 1 variant allele.
Comment: ZSWIM6: PM2

NM_020928.2(ZSWIM6):c.436G>A (p.Gly146Ser)

Gene: ZSWIM6 (zinc finger SWIM-type containing 6; plus strand). Cytogenetic location: 5q12.1.
Variant type: single nucleotide variant.
Coding change: c.436G>A on transcript NM_020928.2 (MANE Select); coding-DNA position 436, G replaced by A.
Protein change: p.Gly146Ser; replaces glycine 146 with serine.
Molecular consequence: missense variant.
Genome position (GRCh38, 1-based): chr5:61,332,708, G>A. VCF-style: chr5-61332708-G-A. GRCh37 (hg19) VCF-style: chr5-60628535-G-A.
Other names: short protein forms G146S.
Identifiers: ClinVar variation 3771775 (VCV003771775.13).